The following is an entry in ClinVar:

NM_052872.4(IL17F):c.199C>A (p.Arg67Ser)

Gene: IL17F (interleukin 17F; minus strand). Cytogenetic location: 6p12.2.
Variant type: single nucleotide variant.
Coding change: c.199C>A on transcript NM_052872.4 (MANE Select); coding-DNA position 199, C replaced by A.
Protein change: p.Arg67Ser; replaces arginine 67 with serine.
Molecular consequence: missense variant.
Genome position (GRCh38, 1-based): chr6:52,238,785, G>T on the plus strand (C>A on the coding strand, the complement: IL17F is on the minus strand). VCF-style: chr6-52238785-G-T. GRCh37 (hg19) VCF-style: chr6-52103583-G-T.
Other names: short protein forms R67S.
Identifiers: ClinVar variation 943201 (VCV000943201.9), dbSNP rs754476266, ClinGen allele CA364444970.

ClinVar aggregate classification (germline): Uncertain significance (1 of 4 stars; one submission).

Conditions:
Candidiasis, familial, 6 (CANDF6). Also called: Candidiasis, familial, 6, autosomal dominant. Identifiers: Orphanet 1334, MedGen C3151405, MONDO:0013503, OMIM 613956.

Allele frequency attached by ClinVar (database versions not stated): TOPMed 0.00001.

Submission:

Labcorp Genetics (formerly Invitae), Labcorp
Classification: Uncertain significance for Candidiasis, familial, 6. Last evaluated: 2023-12-30. Review status: criteria provided, single submitter. Criteria: Invitae Variant Classification Sherloc (09022015). Collection method: clinical testing. Allele origin: germline.
Comment: This sequence change replaces arginine, which is basic and polar, with serine, which is neutral and polar, at codon 67 of the IL17F protein (p.Arg67Ser). This variant is present in population databases (no rsID available, gnomAD 0.002%). This variant has not been reported in the literature in individuals affected with IL17F-related conditions. ClinVar contains an entry for this variant (Variation ID: 943201). An algorithm developed to predict the effect of missense changes on protein structure and function (PolyPhen-2) suggests that this variant is likely to be tolerated. In summary, the available evidence is currently insufficient to determine the role of this variant in disease. Therefore, it has been classified as a Variant of Uncertain Significance.